The following is an entry in ClinVar:

NM_033380.3(COL4A5):c.4975G>T (p.Asp1659Tyr)

Gene: COL4A5 (collagen type IV alpha 5 chain; plus strand). Cytogenetic location: Xq22.3.
Variant type: single nucleotide variant.
Coding change: c.4975G>T on transcript NM_033380.3 (MANE Select); coding-DNA position 4975, G replaced by T.
Protein change: p.Asp1659Tyr; replaces aspartic acid 1659 with tyrosine.
Molecular consequence: missense variant.
Genome position (GRCh38, 1-based): chrX:108,695,420, G>T. VCF-style: chrX-108695420-G-T. GRCh37 (hg19) VCF-style: chrX-107938650-G-T.
Other names: c.4957G>T, p.Asp1653Tyr (NM_000495.5); short protein forms D1653Y, D1659Y.
Identifiers: ClinVar variation 2158382 (VCV002158382.1), dbSNP rs764507289, ClinGen allele CA414132972.

ClinVar aggregate classification (germline): Uncertain significance (1 of 4 stars; one submission).

Submission:

Labcorp Genetics (formerly Invitae), Labcorp
Classification: Uncertain significance. Last evaluated: 2020-06-19. Review status: criteria provided, single submitter. Criteria: Invitae Variant Classification Sherloc (09022015). Collection method: clinical testing. Allele origin: germline.
Comment: This sequence change replaces aspartic acid with tyrosine at codon 1653 of the COL4A5 protein (p.Asp1653Tyr). The aspartic acid residue is highly conserved and there is a large physicochemical difference between aspartic acid and tyrosine. This variant is not present in population databases (ExAC no frequency). This variant has not been reported in the literature in individuals with COL4A5-related conditions. Algorithms developed to predict the effect of missense changes on protein structure and function (SIFT, PolyPhen-2, Align-GVGD) all suggest that this variant is likely to be disruptive, but these predictions have not been confirmed by published functional studies and their clinical significance is uncertain. In summary, the available evidence is currently insufficient to determine the role of this variant in disease. Therefore, it has been classified as a Variant of Uncertain Significance.